The following is an entry in ClinVar:

NM_014140.4(SMARCAL1):c.1500G>T (p.Trp500Cys)

Gene: SMARCAL1 (SNF2 related chromatin remodeling annealing helicase 1; plus strand). Cytogenetic location: 2q35.
Variant type: single nucleotide variant.
Coding change: c.1500G>T on transcript NM_014140.4 (MANE Select); coding-DNA position 1500, G replaced by T.
Protein change: p.Trp500Cys; replaces tryptophan 500 with cysteine.
Molecular consequence: missense variant.
Genome position (GRCh38, 1-based): chr2:216,435,352, G>T. VCF-style: chr2-216435352-G-T. GRCh37 (hg19) VCF-style: chr2-217300075-G-T.
Other names: c.1500G>T, p.Trp500Cys (NM_001127207.2); short protein forms W500C.
Identifiers: ClinVar variation 1465497 (VCV001465497.5), dbSNP rs1694058553, ClinGen allele CA350500324.
Genomic context (GRCh38, chr2:216,435,352, plus strand): 5'-TGTGCTGGGTGGTCATTGTAGCTTTGTTCCCTCCTGTCATCCACAGGCCTTCCTTCGGTG[G>T]CTGCCATCTCTGAGCCCAGATTGCATCAACGTCGTGGTGACTGGGAAGGACCGCCTGACA-3'
Protein context (NP_054859.2, residues 490-510): RFTWEQAFLR[Trp500Cys]LPSLSPDCIN

ClinVar aggregate classification (germline): Uncertain significance (1 of 4 stars; one submission).

Conditions:
Schimke immuno-osseous dysplasia (SIOD). Also called: Schimke Immunoosseous Dysplasia. Identifiers: Orphanet 1830, MedGen C0877024, MONDO:0009458, OMIM 242900.

Allele frequency attached by ClinVar (database versions not stated): gnomAD 0.00001; TOPMed 0.00001.
gnomAD v4.1: 1 of 1,613,946 alleles (0.000062%); highest among the groups gnomAD compares: Non-Finnish European, 0.000085%; no homozygotes.

Submission:

Labcorp Genetics (formerly Invitae), Labcorp
Classification: Uncertain significance for Schimke immuno-osseous dysplasia. Last evaluated: 2021-08-30. Review status: criteria provided, single submitter. Criteria: Invitae Variant Classification Sherloc (09022015). Collection method: clinical testing. Allele origin: germline.
Comment: This sequence change replaces tryptophan with cysteine at codon 500 of the SMARCAL1 protein (p.Trp500Cys). The tryptophan residue is moderately conserved and there is a large physicochemical difference between tryptophan and cysteine. This variant is not present in population databases (ExAC no frequency). This variant has not been reported in the literature in individuals affected with SMARCAL1-related conditions. Algorithms developed to predict the effect of missense changes on protein structure and function are either unavailable or do not agree on the potential impact of this missense change (SIFT: "Deleterious"; PolyPhen-2: "Probably Damaging"; Align-GVGD: "Class C0"). In summary, the available evidence is currently insufficient to determine the role of this variant in disease. Therefore, it has been classified as a Variant of Uncertain Significance.